The following is an entry in ClinVar:

ClinVar aggregate classification (germline): Pathogenic/Likely pathogenic. Review status: criteria provided, multiple submitters, no conflicts (2 of 4 stars). 3 submissions from 3 submitters: Pathogenic (1); Likely pathogenic (2). Last evaluated 2025-10-08.

Conditions:
TUB-related disorder. Also called: TUB-related condition.

Allele frequency attached by ClinVar (database versions not stated): gnomAD 0.00002; gnomAD exomes 0.00002 and 0.00004; TOPMed 0.00003.
gnomAD v4.1: 63 of 1,613,906 alleles (0.0039%); highest among the groups gnomAD compares: Non-Finnish European, 0.0048%; no homozygotes.

Submissions (3):

Labcorp Genetics (formerly Invitae), Labcorp
Classification: Pathogenic. Last evaluated: 2025-10-08. Review status: criteria provided, single submitter. Criteria: Invitae Variant Classification Sherloc (09022015). Collection method: clinical testing. Allele origin: germline.
Comment: This sequence change affects a donor splice site in intron 12 of the TUB gene. While this variant is not anticipated to result in nonsense mediated decay, it likely alters RNA splicing and results in a disrupted protein product. This variant is present in population databases (no rsID available, gnomAD 0.006%). Disruption of this splice site has been observed in individuals with clinical features of TUB-related conditions and/or retinitis pigmentosa (PMID: 36498982; internal data). This variant is also known as c.1387+1G>A. ClinVar contains an entry for this variant (Variation ID: 865971). Studies have shown that disruption of this splice site alters TUB gene expression (PMID: 36498982). Variants that disrupt the consensus splice site are a relatively common cause of aberrant splicing (PMID: 17576681, 9536098). Studies have shown that disruption of this splice site is associated with altered splicing resulting in multiple RNA products (PMID: 36498982). For these reasons, this variant has been classified as Pathogenic.

PreventionGenetics, part of Exact Sciences
Classification: Likely pathogenic for TUB-related condition. Last evaluated: 2024-12-11. Review status: criteria provided, single submitter. Criteria: ACMG Guidelines, 2015. Collection method: clinical testing. Allele origin: germline.
Comment: The TUB c.1552+1G>A variant is predicted to disrupt the GT donor site and interfere with normal splicing. This variant (referred to as c.1387+1G>A on the NM_177972 transcript) was reported in the homozygous state in an individual with slightly increased body mass and retinal detachment (Ziccardi et al. 2022. PubMed ID: 36498982). In vitro analysis of total RNA from patient-derived skin primary fibroblasts revealed this splice site variant results in two aberrantly spliced cDNAs with truncated protein products: one derived from the skipping of exon 11 (p.Glu406Argfs*4), and one derived from the retention of intron 10, resulting in a divergent C-terminus and the loss of the last 44 amino acids of the Tub protein (p.Pro463Hisfs*19) (Ziccardi et al. 2022. PubMed ID: 36498982). This variant is reported in 0.0058% of alleles in individuals of Latino descent in gnomAD. We interpret this variant as likely pathogenic.

Blueprint Genetics
Classification: Likely pathogenic for TUB-related disorders. Last evaluated: 2023-07-14. Review status: criteria provided, single submitter. Criteria: ACMG Guidelines, 2015. Collection method: clinical testing. Allele origin: germline. Affected: yes. Observed: 3 variant alleles.

Literature cited by the submitters: PubMed 36498982 (cited by Labcorp Genetics (formerly Invitae), Labcorp); PubMed 17576681 (cited by Labcorp Genetics (formerly Invitae), Labcorp); PubMed 9536098 (cited by Labcorp Genetics (formerly Invitae), Labcorp).

NM_177972.3(TUB):c.1387+1G>A

Genes: RIC3 (RIC3 acetylcholine receptor chaperone; minus strand), TUB (TUB bipartite transcription factor; plus strand). Cytogenetic location: 11p15.4.
Variant type: single nucleotide variant.
Coding change: c.1387+1G>A on transcript NM_177972.3 (MANE Select); the canonical splice donor site of the intron after coding-DNA position 1387, G replaced by A.
Molecular consequence: splice donor variant.
Genome position (GRCh38, 1-based): chr11:8,100,998, G>A. VCF-style: chr11-8100998-G-A. GRCh37 (hg19) VCF-style: chr11-8122545-G-A.
Other names: c.1552+1G>A (NM_003320.5).
Identifiers: ClinVar variation 865971 (VCV000865971.12), dbSNP rs1040410003, ClinGen allele CA217430017.